The following is an entry in ClinVar:

ClinVar aggregate classification (germline): Uncertain significance (1 of 4 stars; one submission).

Submission:

GeneDx
Classification: Uncertain significance. Last evaluated: 2023-05-21. Review status: criteria provided, single submitter. Criteria: GeneDx Variant Classification Process June 2021. Collection method: clinical testing. Allele origin: germline. Affected: yes.
Comment: Not observed at significant frequency in large population cohorts (gnomAD); In-frame duplication of 1 amino acid in a non-repeat region; Has not been previously published as pathogenic or benign to our knowledge

NM_001039591.3(USP9X):c.3877_3879dup (p.Thr1293_Leu1294insThr)

Gene: USP9X (ubiquitin specific peptidase 9 X-linked; plus strand). Cytogenetic location: Xp11.4.
Variant type: Duplication.
Coding change: c.3877_3879dup on transcript NM_001039591.3 (MANE Select); coding-DNA positions 3877 to 3879, 3 bases duplicated (ACC; older notation c.3877_3879dupACC).
Protein change: p.Thr1293_Leu1294insThr.
Molecular consequence: inframe insertion.
Genome position (GRCh38, 1-based): chrX:41,189,375-41,189,377, ACC duplicated. VCF-style (leftmost placement, unchanged base first): chrX-41189374-G-GACC. GRCh37 (hg19) VCF-style: chrX-41048627-G-GACC.
Other names: c.3877_3879dup, p.Thr1293_Leu1294insThr (NM_001039590.3); c.3892_3894dup, p.Thr1298_Leu1299insThr (NM_001410748.1, NM_001410749.1).
Identifiers: ClinVar variation 3343688 (VCV003343688.1).